The following is an entry in ClinVar:

ClinVar aggregate classification (germline): Uncertain significance. Review status: criteria provided, multiple submitters, no conflicts (2 of 4 stars). 3 submissions from 3 submitters: Uncertain significance (3). Last evaluated 2025-05-20.

Conditions:
Inborn genetic diseases. Identifiers: MedGen C0950123, MeSH D030342.

Allele frequency attached by ClinVar (database versions not stated): ExAC 0.00011; gnomAD exomes 0.00018 and 0.00020; ESP Exome Variant Server 0.00023; gnomAD 0.00029; TOPMed 0.00030.
gnomAD v4.1: 308 of 1,571,430 alleles (0.02%); highest among the groups gnomAD compares: Middle Eastern, 0.15%; no homozygotes.

Submissions (3):

Labcorp Genetics (formerly Invitae), Labcorp
Classification: Uncertain significance. Last evaluated: 2025-05-20. Review status: criteria provided, single submitter. Criteria: Invitae Variant Classification Sherloc (09022015). Collection method: clinical testing. Allele origin: germline.
Comment: This sequence change replaces glycine, which is neutral and non-polar, with valine, which is neutral and non-polar, at codon 1195 of the INPPL1 protein (p.Gly1195Val). This variant is present in population databases (rs201051695, gnomAD 0.06%). This variant has not been reported in the literature in individuals affected with INPPL1-related conditions. ClinVar contains an entry for this variant (Variation ID: 1024509). An algorithm developed to predict the effect of missense changes on protein structure and function (PolyPhen-2) suggests that this variant is likely to be tolerated. In summary, the available evidence is currently insufficient to determine the role of this variant in disease. Therefore, it has been classified as a Variant of Uncertain Significance.

Ambry Genetics
Classification: Uncertain significance for Inborn genetic diseases. Last evaluated: 2025-04-29. Review status: criteria provided, single submitter. Criteria: Ambry Variant Classification Scheme 2023. Collection method: clinical testing. Allele origin: germline.

Blueprint Genetics
Classification: Uncertain significance. Last evaluated: 2024-08-12. Review status: criteria provided, single submitter. Criteria: ACMG Guidelines, 2015. Collection method: clinical testing. Allele origin: germline.

NM_001567.4(INPPL1):c.3584G>T (p.Gly1195Val)

Gene: INPPL1 (inositol polyphosphate phosphatase like 1; plus strand). Cytogenetic location: 11q13.4.
Variant type: single nucleotide variant.
Coding change: c.3584G>T on transcript NM_001567.4 (MANE Select); coding-DNA position 3584, G replaced by T.
Protein change: p.Gly1195Val; replaces glycine 1195 with valine.
Molecular consequence: missense variant.
Genome position (GRCh38, 1-based): chr11:72,238,073, G>T. VCF-style: chr11-72238073-G-T. GRCh37 (hg19) VCF-style: chr11-71949117-G-T.
Other names: c.3584G>T (NM_001567.3); short protein forms G1195V.
Identifiers: ClinVar variation 1024509 (VCV001024509.7), dbSNP rs201051695, ClinGen allele CA6170704.